The following is an entry in ClinVar:

NM_003954.5(MAP3K14):c.2470C>G (p.Leu824Val)

Genes: MAP3K14 (mitogen-activated protein kinase kinase kinase 14; minus strand), MAP3K14-AS1 (MAP3K14 antisense RNA 1; plus strand), LOC126862575 (CDK7 strongly-dependent group 2 enhancer GRCh37_chr17:43344006-43345205; plus strand). Cytogenetic location: 17q21.31.
Variant type: single nucleotide variant.
Coding change: c.2470C>G on transcript NM_003954.5 (MANE Select); coding-DNA position 2470, C replaced by G.
Protein change: p.Leu824Val; replaces leucine 824 with valine.
Molecular consequence: missense variant.
Genome position (GRCh38, 1-based): chr17:45,266,645, G>C on the plus strand (C>G on the coding strand, the complement: MAP3K14 is on the minus strand). VCF-style: chr17-45266645-G-C. GRCh37 (hg19) VCF-style: chr17-43344012-G-C.
Other names: short protein forms L824V.
Identifiers: ClinVar variation 1418729 (VCV001418729.6), dbSNP rs2143767158, ClinGen allele CA399872203.

ClinVar aggregate classification (germline): Uncertain significance (1 of 4 stars; one submission).

Conditions:
NIK deficiency. Also called: Primary immunodeficiency with multifaceted aberrant lymphoid immunity. Identifiers: Orphanet 447731, MedGen C5680065, MONDO:0018642.

Submission:

Labcorp Genetics (formerly Invitae), Labcorp
Classification: Uncertain significance for NIK deficiency. Last evaluated: 2022-08-23. Review status: criteria provided, single submitter. Criteria: Invitae Variant Classification Sherloc (09022015). Collection method: clinical testing. Allele origin: germline.
Comment: This variant is not present in population databases (gnomAD no frequency). In summary, the available evidence is currently insufficient to determine the role of this variant in disease. Therefore, it has been classified as a Variant of Uncertain Significance. Experimental studies and prediction algorithms are not available or were not evaluated, and the functional significance of this variant is currently unknown. ClinVar contains an entry for this variant (Variation ID: 1418729). This variant has not been reported in the literature in individuals affected with MAP3K14-related conditions. This sequence change replaces leucine, which is neutral and non-polar, with valine, which is neutral and non-polar, at codon 824 of the MAP3K14 protein (p.Leu824Val).